The following is an entry in ClinVar:

NM_001370259.2(MEN1):c.464C>T (p.Ser155Phe)

Gene: MEN1 (menin 1; minus strand). Cytogenetic location: 11q13.1.
Variant type: single nucleotide variant.
Coding change: c.464C>T on transcript NM_001370259.2 (MANE Select); coding-DNA position 464, C replaced by T.
Protein change: p.Ser155Phe; replaces serine 155 with phenylalanine.
Molecular consequence: missense variant.
Genome position (GRCh38, 1-based): chr11:64,808,081, G>A on the plus strand (C>T on the coding strand, the complement: MEN1 is on the minus strand). VCF-style: chr11-64808081-G-A. GRCh37 (hg19) VCF-style: chr11-64575553-G-A.
Other names: c.479C>T, p.Ser160Phe (NM_000244.4, NM_001407145.1, NM_001407150.1 and 5 more transcripts); c.464C>T, p.Ser155Phe (NM_001370251.2, NM_001370260.2, NM_001370261.2 and 12 more transcripts); short protein forms S160F, S155F.
Identifiers: ClinVar variation 2137149 (VCV002137149.4), dbSNP rs2136158820, ClinGen allele CA381186249.

ClinVar aggregate classification (germline): Uncertain significance (1 of 4 stars; one submission).

Conditions:
Multiple endocrine neoplasia, type 1 (MEN1). Also called: WERMER SYNDROME; Endocrine adenomatosis multiple; MEN 1; MEA I; MEN I. Identifiers: Orphanet 652, MedGen C0025267, MeSH D018761, MONDO:0007540, OMIM 131100.

Submission:

Labcorp Genetics (formerly Invitae), Labcorp
Classification: Uncertain significance for Multiple endocrine neoplasia, type 1. Last evaluated: 2022-01-03. Review status: criteria provided, single submitter. Criteria: Invitae Variant Classification Sherloc (09022015). Collection method: clinical testing. Allele origin: germline.
Comment: This sequence change replaces serine, which is neutral and polar, with phenylalanine, which is neutral and non-polar, at codon 155 of the MEN1 protein (p.Ser155Phe). This variant is not present in population databases (gnomAD no frequency). This missense change has been observed in individuals with multiple endocrine neoplasia type 1 (MEN1)- related conditions and/or primary hyperparathyroidism (PMID: 10534569, 14648742, 17853334). This variant is also known as 574C>T. Advanced modeling of protein sequence and biophysical properties (such as structural, functional, and spatial information, amino acid conservation, physicochemical variation, residue mobility, and thermodynamic stability) performed at Invitae indicates that this missense variant is not expected to disrupt MEN1 protein function. In summary, the available evidence is currently insufficient to determine the role of this variant in disease. Therefore, it has been classified as a Variant of Uncertain Significance.

Literature cited by the submitters: PubMed 10534569; PubMed 14648742; PubMed 17853334.